The following is an entry in ClinVar:

ClinVar aggregate classification (germline): Uncertain significance (1 of 4 stars; one submission).

Conditions:
Dyskeratosis congenita. Identifiers: Orphanet 1775, MedGen C0265965, MONDO:0015780.

Allele frequency attached by ClinVar (database versions not stated): gnomAD 0.00001; gnomAD exomes 0.00001 and below 0.00001; TOPMed 0.00001.
gnomAD v4.1: 4 of 1,608,474 alleles (0.00025%); highest among the groups gnomAD compares: Non-Finnish European, 0.00034%; no homozygotes.

Submission:

Labcorp Genetics (formerly Invitae), Labcorp
Classification: Uncertain significance for Dyskeratosis congenita. Last evaluated: 2024-10-15. Review status: criteria provided, single submitter. Criteria: Invitae Variant Classification Sherloc (09022015). Collection method: clinical testing. Allele origin: germline.
Comment: This sequence change replaces cysteine, which is neutral and slightly polar, with tyrosine, which is neutral and polar, at codon 400 of the CTC1 protein (p.Cys400Tyr). This variant is present in population databases (no rsID available, gnomAD 0.0009%). This variant has not been reported in the literature in individuals affected with CTC1-related conditions. ClinVar contains an entry for this variant (Variation ID: 565369). Invitae Evidence Modeling of protein sequence and biophysical properties (such as structural, functional, and spatial information, amino acid conservation, physicochemical variation, residue mobility, and thermodynamic stability) indicates that this missense variant is expected to disrupt CTC1 protein function with a positive predictive value of 80%. In summary, the available evidence is currently insufficient to determine the role of this variant in disease. Therefore, it has been classified as a Variant of Uncertain Significance.

NM_025099.6(CTC1):c.1199G>A (p.Cys400Tyr)

Gene: CTC1 (CST telomere replication complex component 1; minus strand). Cytogenetic location: 17p13.1.
Variant type: single nucleotide variant.
Coding change: c.1199G>A on transcript NM_025099.6 (MANE Select); coding-DNA position 1199, G replaced by A.
Protein change: p.Cys400Tyr; replaces cysteine 400 with tyrosine.
Molecular consequence: missense variant. On other transcripts: non-coding transcript variant (1).
Genome position (GRCh38, 1-based): chr17:8,235,838, C>T on the plus strand (G>A on the coding strand, the complement: CTC1 is on the minus strand). VCF-style: chr17-8235838-C-T. GRCh37 (hg19) VCF-style: chr17-8139156-C-T.
Other names: short protein forms C400Y.
Identifiers: ClinVar variation 565369 (VCV000565369.8), dbSNP rs1483913680, ClinGen allele CA397986554.
Genomic context (GRCh38, chr17:8,235,838, plus strand): 5'-GGTAAGAGAAGCTGCAGAGGTCTCTTTTTGTTATCAGCCCTGATCTCACATACCTGCAGA[C>T]ACACTCCAGGTCGCATCACCCGCCTAAGGCCACGGAACTGCTGGTAGGCAAGGCAGAGCC-3'
Protein context (NP_079375.3, residues 390-410): GLRRVMRPGV[Cys400Tyr]LQLQDVHLLQ